The following is an entry in ClinVar:

NM_001130438.3(SPTAN1):c.6254T>C (p.Leu2085Pro)

Gene: SPTAN1 (spectrin alpha, non-erythrocytic 1; plus strand). Cytogenetic location: 9q34.11.
Variant type: single nucleotide variant.
Coding change: c.6254T>C on transcript NM_001130438.3 (MANE Select); coding-DNA position 6254, T replaced by C.
Protein change: p.Leu2085Pro; replaces leucine 2085 with proline.
Molecular consequence: missense variant.
Genome position (GRCh38, 1-based): chr9:128,625,953, T>C. VCF-style: chr9-128625953-T-C. GRCh37 (hg19) VCF-style: chr9-131388232-T-C.
Other names: c.6179T>C, p.Leu2060Pro (NM_001195532.2); c.6254T>C, p.Leu2085Pro (NM_001363759.2); c.6194T>C, p.Leu2065Pro (NM_001363765.2); c.6239T>C, p.Leu2080Pro (NM_003127.4); short protein forms L2085P, L2060P, L2065P, L2080P.
Identifiers: ClinVar variation 633007 (VCV000633007.7), dbSNP rs1564315528, ClinGen allele CA375087291.

ClinVar aggregate classification (germline): Uncertain significance. Review status: criteria provided, multiple submitters, no conflicts (2 of 4 stars). 2 submissions from 2 submitters: Uncertain significance (2). Last evaluated 2021-10-22.

Conditions:
Early-infantile DEE. Also called: Early infantile epileptic encephalopathy with suppression bursts; Ohtahara syndrome; Early infantile epileptic encephalopathy. Identifiers: Orphanet 1934, MedGen C0393706, MONDO:0800491.

Submissions (2):

Labcorp Genetics (formerly Invitae), Labcorp
Classification: Uncertain significance for Early-infantile DEE. Last evaluated: 2021-10-22. Review status: criteria provided, single submitter. Criteria: Invitae Variant Classification Sherloc (09022015). Collection method: clinical testing. Allele origin: germline.
Comment: Algorithms developed to predict the effect of missense changes on protein structure and function (SIFT, PolyPhen-2, Align-GVGD) all suggest that this variant is likely to be disruptive. In summary, the available evidence is currently insufficient to determine the role of this variant in disease. Therefore, it has been classified as a Variant of Uncertain Significance. ClinVar contains an entry for this variant (Variation ID: 633007). This variant has not been reported in the literature in individuals affected with SPTAN1-related conditions. This variant is not present in population databases (ExAC no frequency). This sequence change replaces leucine with proline at codon 2085 of the SPTAN1 protein (p.Leu2085Pro). The leucine residue is highly conserved and there is a moderate physicochemical difference between leucine and proline.

Women's Health and Genetics/Laboratory Corporation of America, LabCorp
Classification: Uncertain significance. Last evaluated: 2018-12-19. Review status: criteria provided, single submitter. Criteria: LabCorp Variant Classification Summary - May 2015. Collection method: clinical testing. Allele origin: germline.
Comment: Variant summary: SPTAN1 c.6254T>C (p.Leu2085Pro) results in a non-conservative amino acid change, located between two spectrin repeats (IPR002017) in the encoded protein sequence. Four of five in-silico tools predict a damaging effect of the variant on protein function. The variant was absent in 246228 control chromosomes (gnomAD). The available data on variant occurrences in the general population are insufficient to allow any conclusion about variant significance. To our knowledge, no occurrence of c.6254T>C in individuals affected with Epileptic encephalopathy, early infantile, 5 and no experimental evidence demonstrating its impact on protein function have been reported. No clinical diagnostic laboratories have submitted clinical-significance assessments for this variant to ClinVar after 2014. Based on the evidence outlined above, the variant was classified as uncertain significance.